The following is an entry in ClinVar:

NM_001005373.4(LRSAM1):c.50G>A (p.Arg17His)

Gene: LRSAM1 (leucine rich repeat and sterile alpha motif containing 1; plus strand). Cytogenetic location: 9q33.3.
Variant type: single nucleotide variant.
Coding change: c.50G>A on transcript NM_001005373.4 (MANE Select); coding-DNA position 50, G replaced by A.
Protein change: p.Arg17His; replaces arginine 17 with histidine.
Molecular consequence: missense variant. On other transcripts: 5 prime UTR variant (1), non-coding transcript variant (2).
Genome position (GRCh38, 1-based): chr9:127,454,577, G>A. VCF-style: chr9-127454577-G-A. GRCh37 (hg19) VCF-style: chr9-130216856-G-A.
Other names: c.50G>A, p.Arg17His (NM_001005374.4, NM_001190723.3, NM_001384142.1 and 2 more transcripts); c.-735G>A (NM_001384144.1); short protein forms R17H.
Identifiers: ClinVar variation 1439753 (VCV001439753.8), dbSNP rs776039231, ClinGen allele CA5246355.

ClinVar aggregate classification (germline): Uncertain significance (1 of 4 stars; one submission).

Conditions:
Charcot-Marie-Tooth disease axonal type 2P. Also called: CHARCOT-MARIE-TOOTH NEUROPATHY, TYPE 2P; CHARCOT-MARIE-TOOTH DISEASE, AXONAL, TYPE 2G; CMT 2G; Charcot-Marie-Tooth Neuropathy Type 2G. Identifiers: Orphanet 300319, Orphanet 99941, MedGen C3280797, MONDO:0013753, OMIM 614436.

Allele frequency attached by ClinVar (database versions not stated): gnomAD exomes 0.00002; ExAC 0.00003.

Submission:

Labcorp Genetics (formerly Invitae), Labcorp
Classification: Uncertain significance for Charcot-Marie-Tooth disease axonal type 2P. Last evaluated: 2022-04-11. Review status: criteria provided, single submitter. Criteria: Invitae Variant Classification Sherloc (09022015). Collection method: clinical testing. Allele origin: germline.
Comment: In summary, the available evidence is currently insufficient to determine the role of this variant in disease. Therefore, it has been classified as a Variant of Uncertain Significance. Algorithms developed to predict the effect of missense changes on protein structure and function are either unavailable or do not agree on the potential impact of this missense change (SIFT: "Deleterious"; PolyPhen-2: "Probably Damaging"; Align-GVGD: "Class C0"). This variant has not been reported in the literature in individuals affected with LRSAM1-related conditions. This variant is present in population databases (rs776039231, gnomAD 0.03%). This sequence change replaces arginine, which is basic and polar, with histidine, which is basic and polar, at codon 17 of the LRSAM1 protein (p.Arg17His).